The following is an entry in ClinVar:

NM_001166108.2(PALLD):c.3104A>C (p.Asn1035Thr)

Genes: CBR4 (carbonyl reductase 4; minus strand), PALLD (palladin, cytoskeletal associated protein; plus strand). Cytogenetic location: 4q32.3.
Variant type: single nucleotide variant.
Coding change: c.3104A>C on transcript NM_001166108.2 (MANE Select); coding-DNA position 3104, A replaced by C.
Protein change: p.Asn1035Thr; replaces asparagine 1035 with threonine.
Molecular consequence: missense variant.
Genome position (GRCh38, 1-based): chr4:168,924,300, A>C. VCF-style: chr4-168924300-A-C. GRCh37 (hg19) VCF-style: chr4-169845451-A-C.
Other names: c.1907A>C, p.Asn636Thr (NM_001166109.2); c.1592A>C, p.Asn531Thr (NM_001166110.2); c.932A>C, p.Asn311Thr (NM_001367567.1, NM_001367569.1); c.983A>C, p.Asn328Thr (NM_001367568.1, NM_001367570.1); c.3053A>C, p.Asn1018Thr (NM_016081.4); short protein forms N1018T, N1035T, N311T, N328T, N636T, N531T.
Identifiers: ClinVar variation 1799282 (VCV001799282.2), dbSNP rs2534251172, ClinGen allele CA358711981.

ClinVar aggregate classification (germline): Uncertain significance (1 of 4 stars; one submission).

Submission:

Ambry Genetics
Classification: Uncertain significance. Last evaluated: 2022-09-28. Review status: criteria provided, single submitter. Criteria: Ambry Variant Classification Scheme 2023. Collection method: clinical testing. Allele origin: germline.
Comment: The p.N1018T variant (also known as c.3053A>C), located in coding exon 17 of the PALLD gene, results from an A to C substitution at nucleotide position 3053. The asparagine at codon 1018 is replaced by threonine, an amino acid with similar properties. This amino acid position is conserved. In addition, the in silico prediction for this alteration is inconclusive. Since supporting evidence is limited at this time, the clinical significance of this alteration remains unclear.